The following is an entry in ClinVar:

NM_002949.4(MRPL12):c.326C>T (p.Pro109Leu)

Gene: MRPL12 (mitochondrial ribosomal protein L12; plus strand). Cytogenetic location: 17q25.3.
Variant type: single nucleotide variant.
Coding change: c.326C>T on transcript NM_002949.4 (MANE Select); coding-DNA position 326, C replaced by T.
Protein change: p.Pro109Leu; replaces proline 109 with leucine.
Molecular consequence: missense variant.
Genome position (GRCh38, 1-based): chr17:81,704,697, C>T. VCF-style: chr17-81704697-C-T. GRCh37 (hg19) VCF-style: chr17-79671727-C-T.
Other names: short protein forms P109L.
Identifiers: ClinVar variation 1972784 (VCV001972784.5), dbSNP rs372178215, ClinGen allele CA295107268.

ClinVar aggregate classification (germline): Uncertain significance (1 of 4 stars; one submission).

gnomAD v4.1: 13 of 1,613,504 alleles (0.00081%); highest among the groups gnomAD compares: Non-Finnish European, 0.0011%; no homozygotes.

Submission:

Labcorp Genetics (formerly Invitae), Labcorp
Classification: Uncertain significance. Last evaluated: 2025-06-23. Review status: criteria provided, single submitter. Criteria: Invitae Variant Classification Sherloc (09022015). Collection method: clinical testing. Allele origin: germline.
Comment: This sequence change replaces proline, which is neutral and non-polar, with leucine, which is neutral and non-polar, at codon 109 of the MRPL12 protein (p.Pro109Leu). This variant is not present in population databases (gnomAD no frequency). This variant has not been reported in the literature in individuals affected with MRPL12-related conditions. ClinVar contains an entry for this variant (Variation ID: 1972784). An algorithm developed to predict the effect of missense changes on protein structure and function (PolyPhen-2) suggests that this variant is likely to be tolerated. In summary, the available evidence is currently insufficient to determine the role of this variant in disease. Therefore, it has been classified as a Variant of Uncertain Significance.